The following is an entry in ClinVar:

NM_000843.4(GRM6):c.1733G>A (p.Arg578His)

Genes: GRM6 (glutamate metabotropic receptor 6; minus strand), ZNF454 (zinc finger protein 454; plus strand). Cytogenetic location: 5q35.3.
Variant type: single nucleotide variant.
Coding change: c.1733G>A on transcript NM_000843.4 (MANE Select); coding-DNA position 1733, G replaced by A.
Protein change: p.Arg578His; replaces arginine 578 with histidine.
Molecular consequence: missense variant.
Genome position (GRCh38, 1-based): chr5:178,986,521, C>T on the plus strand (G>A on the coding strand, the complement: GRM6 is on the minus strand). VCF-style: chr5-178986521-C-T. GRCh37 (hg19) VCF-style: chr5-178413522-C-T.
Other names: short protein forms R578H.
Identifiers: ClinVar variation 1017033 (VCV001017033.7), dbSNP rs369887161, ClinGen allele CA3593949.

ClinVar aggregate classification (germline): Uncertain significance (1 of 4 stars; one submission).

Allele frequency attached by ClinVar (database versions not stated): gnomAD 0.00011; TOPMed 0.00011; ESP Exome Variant Server 0.00008; 1000 Genomes Project 0.00020; 1000 Genomes Project 30x 0.00031.
gnomAD v4.1: 65 of 1,608,548 alleles (0.004%); highest among the groups gnomAD compares: Admixed American, 0.017%; no homozygotes.

Submission:

Labcorp Genetics (formerly Invitae), Labcorp
Classification: Uncertain significance. Last evaluated: 2022-08-13. Review status: criteria provided, single submitter. Criteria: Invitae Variant Classification Sherloc (09022015). Collection method: clinical testing. Allele origin: germline.
Comment: This sequence change replaces arginine, which is basic and polar, with histidine, which is basic and polar, at codon 578 of the GRM6 protein (p.Arg578His). This variant is present in population databases (rs369887161, gnomAD 0.01%). This variant has not been reported in the literature in individuals affected with GRM6-related conditions. ClinVar contains an entry for this variant (Variation ID: 1017033). Advanced modeling of protein sequence and biophysical properties (such as structural, functional, and spatial information, amino acid conservation, physicochemical variation, residue mobility, and thermodynamic stability) performed at Invitae indicates that this missense variant is not expected to disrupt GRM6 protein function. In summary, the available evidence is currently insufficient to determine the role of this variant in disease. Therefore, it has been classified as a Variant of Uncertain Significance.